The following is an entry in ClinVar:

ClinVar aggregate classification (germline): Likely benign. Review status: criteria provided, multiple submitters, no conflicts (2 of 4 stars). 3 submissions from 3 submitters: Likely benign (3). Last evaluated 2026-09-21.

Conditions:
Cardiovascular phenotype. Identifiers: MedGen CN230736.
TNNC1-related disorder. Also called: TNNC1-related condition.
Hypertrophic cardiomyopathy 13. Also called: TNNC1-Related Familial Hypertrophic Cardiomyopathy. Identifiers: MedGen C2750472, MONDO:0013195, OMIM 613243.
Dilated cardiomyopathy 1Z (CMD1Z). Identifiers: Orphanet 154, MedGen C2678475, MONDO:0012745, OMIM 611879.

Allele frequency attached by ClinVar (database versions not stated): gnomAD exomes below 0.00001; gnomAD 0.00001; TOPMed 0.00001.

Submissions (3):

PreventionGenetics, part of Exact Sciences
Classification: Likely benign for TNNC1-related condition. Last evaluated: 2026-09-21. Review status: criteria provided, single submitter. Criteria: ACMG Guidelines, 2015. Collection method: clinical testing. Allele origin: germline.
Comment: This variant is classified as likely benign based on ACMG/AMP sequence variant interpretation guidelines (Richards et al. 2015 PMID: 25741868, with internal and published modifications).

Labcorp Genetics (formerly Invitae), Labcorp
Classification: Likely benign for Hypertrophic cardiomyopathy 13; Dilated cardiomyopathy 1Z. Last evaluated: 2025-11-04. Review status: criteria provided, single submitter. Criteria: Invitae Variant Classification Sherloc (09022015). Collection method: clinical testing. Allele origin: germline.

Ambry Genetics
Classification: Likely benign for Cardiovascular phenotype. Last evaluated: 2024-03-15. Review status: criteria provided, single submitter. Criteria: Ambry Variant Classification Scheme 2023. Collection method: clinical testing. Allele origin: germline.

NM_003280.3(TNNC1):c.372A>G (p.Thr124=)

Gene: TNNC1 (troponin C1, slow skeletal and cardiac type; minus strand). Cytogenetic location: 3p21.1.
Variant type: single nucleotide variant.
Coding change: c.372A>G on transcript NM_003280.3 (MANE Select); coding-DNA position 372, A replaced by G.
Protein change: p.Thr124=; no amino-acid change (threonine 124 retained).
Molecular consequence: synonymous variant.
Genome position (GRCh38, 1-based): chr3:52,451,473, T>C on the plus strand (A>G on the coding strand, the complement: TNNC1 is on the minus strand). VCF-style: chr3-52451473-T-C. GRCh37 (hg19) VCF-style: chr3-52485489-T-C.
Identifiers: ClinVar variation 793668 (VCV000793668.9), dbSNP rs1421384434, ClinGen allele CA433791279.